The following is an entry in ClinVar:

ClinVar aggregate classification (germline): Likely benign. Review status: criteria provided, single submitter (1 of 4 stars). 2 submissions from 2 submitters: Likely benign (1). 1 of the submissions does not count toward it. Last evaluated 2026-01-20.

Conditions:
AGA-related disorder. Also called: AGA-related condition.
Aspartylglucosaminuria (AGU). Also called: AGA DEFICIENCY; GLYCOASPARAGINASE; GLYCOSYLASPARAGINASE DEFICIENCY; Aspartylglucos-aminuria; Aspartylglucos-amidase (AGA) deficiency. Identifiers: Orphanet 93, MedGen C0268225, MONDO:0008830, OMIM 208400, HP:0012068.

Allele frequency attached by ClinVar (database versions not stated): ESP Exome Variant Server 0.00008; gnomAD exomes 0.00001; ExAC 0.00002; gnomAD 0.00005; TOPMed 0.00005.
gnomAD v4.1: 20 of 1,613,976 alleles (0.0012%); highest among the groups gnomAD compares: African/African-American, 0.0067%; no homozygotes.

Submissions (2):

Labcorp Genetics (formerly Invitae), Labcorp
Classification: Likely benign for Aspartylglucosaminuria. Last evaluated: 2026-01-20. Review status: criteria provided, single submitter. Criteria: Invitae Variant Classification Sherloc (09022015). Collection method: clinical testing. Allele origin: germline.

PreventionGenetics, part of Exact Sciences
Classification: Likely benign for AGA-related condition. Last evaluated: 2019-11-26. Review status: no assertion criteria provided. Collection method: clinical testing. Allele origin: germline. Not counted in ClinVar's aggregate classification.
Comment: This variant is classified as likely benign based on ACMG/AMP sequence variant interpretation guidelines (Richards et al. 2015 PMID: 25741868, with internal and published modifications).

NM_000027.4(AGA):c.75C>T (p.Ser25=)

Gene: AGA (aspartylglucosaminidase; minus strand). Cytogenetic location: 4q34.3.
Variant type: single nucleotide variant.
Coding change: c.75C>T on transcript NM_000027.4 (MANE Select); coding-DNA position 75, C replaced by T.
Protein change: p.Ser25=; no amino-acid change (serine 25 retained).
Molecular consequence: synonymous variant. On other transcripts: non-coding transcript variant (1).
Genome position (GRCh38, 1-based): chr4:177,442,301, G>A on the plus strand (C>T on the coding strand, the complement: AGA is on the minus strand). VCF-style: chr4-177442301-G-A. GRCh37 (hg19) VCF-style: chr4-178363455-G-A.
Other names: c.75C>T (NM_000027.3); c.75C>T, p.Ser25= (NM_001171988.2).
Identifiers: ClinVar variation 1129532 (VCV001129532.11), dbSNP rs146683705, ClinGen allele CA3147057.
Genomic context (GRCh38, chr4:177,442,301, plus strand): 5'-ACCCGCACCTGCTTCGGTTGCATTCTTAAAGGGCCAAGTGTTGACGACCAGGGGCAGAGG[G>A]CTGGAGCAGCGCACTAGGGCCTGGCAGAGCAGAAACGGCACGAGAAGCACAGGCAAGTTC-3'
Protein context (NP_000018.2, residues 15-35): LLCQALVRCS[Ser25=]PLPLVVNTWP